The following is an entry in ClinVar:

NM_001371986.1(UNC80):c.2898G>C (p.Lys966Asn)

Gene: UNC80 (unc-80 homolog, NALCN channel complex subunit; plus strand). Cytogenetic location: 2q34.
Variant type: single nucleotide variant.
Coding change: c.2898G>C on transcript NM_001371986.1 (MANE Select); coding-DNA position 2898, G replaced by C.
Protein change: p.Lys966Asn; replaces lysine 966 with asparagine.
Molecular consequence: missense variant.
Genome position (GRCh38, 1-based): chr2:209,834,124, G>C. VCF-style: chr2-209834124-G-C. GRCh37 (hg19) VCF-style: chr2-210698848-G-C.
Other names: c.2898G>C, p.Lys966Asn (NM_032504.2); c.2883G>C, p.Lys961Asn (NM_182587.4); c.2898G>C (NM_032504.1); short protein forms K966N, K961N.
Identifiers: ClinVar variation 2144792 (VCV002144792.2), dbSNP rs1486497405, ClinGen allele CA350411694.
Genomic context (GRCh38, chr2:209,834,124, plus strand): 5'-CAGGAGAGTGGCCCTCAGCGCTCTGCTTGACAGTGCCGAGAAGTTAGCACCAGGGAAAAA[G>C]GTGGAGGAGAATGAACAGGAATCTAAGCCTGCAGGCAGTAAAAGGTTGGAAGCTTGAACT-3'
Protein context (NP_001358915.1, residues 956-976): DSAEKLAPGK[Lys966Asn]VEENEQESKP

ClinVar aggregate classification (germline): Uncertain significance. Review status: criteria provided, multiple submitters, no conflicts (2 of 4 stars). 2 submissions from 2 submitters: Uncertain significance (2). Last evaluated 2025-02-14.

Conditions:
Inborn genetic diseases. Identifiers: MedGen C0950123, MeSH D030342.

Allele frequency attached by ClinVar (database versions not stated): gnomAD 0.00001.
gnomAD v4.1: 6 of 1,551,514 alleles (0.00039%); highest among the groups gnomAD compares: Admixed American, 0.0098%; no homozygotes.

Submissions (2):

Ambry Genetics
Classification: Uncertain significance for Inborn genetic diseases. Last evaluated: 2025-02-14. Review status: criteria provided, single submitter. Criteria: Ambry Variant Classification Scheme 2023. Collection method: clinical testing. Allele origin: germline.

Labcorp Genetics (formerly Invitae), Labcorp
Classification: Uncertain significance. Last evaluated: 2022-02-08. Review status: criteria provided, single submitter. Criteria: Invitae Variant Classification Sherloc (09022015). Collection method: clinical testing. Allele origin: germline.
Comment: This sequence change replaces lysine, which is basic and polar, with asparagine, which is neutral and polar, at codon 966 of the UNC80 protein (p.Lys966Asn). This variant is present in population databases (no rsID available, gnomAD 0.02%). This variant has not been reported in the literature in individuals affected with UNC80-related conditions. Algorithms developed to predict the effect of missense changes on protein structure and function are either unavailable or do not agree on the potential impact of this missense change (SIFT: "Not Available"; PolyPhen-2: "Probably Damaging"; Align-GVGD: "Not Available"). In summary, the available evidence is currently insufficient to determine the role of this variant in disease. Therefore, it has been classified as a Variant of Uncertain Significance.